The following is an entry in ClinVar:

NM_020778.5(ALPK3):c.1422G>A (p.Pro474=)

Gene: ALPK3 (alpha kinase 3; plus strand). Cytogenetic location: 15q25.3.
Variant type: single nucleotide variant.
Coding change: c.1422G>A on transcript NM_020778.5 (MANE Select); coding-DNA position 1422, G replaced by A.
Protein change: p.Pro474=; no amino-acid change (proline 474 retained).
Molecular consequence: synonymous variant.
Genome position (GRCh38, 1-based): chr15:84,840,701, G>A. VCF-style: chr15-84840701-G-A. GRCh37 (hg19) VCF-style: chr15-85383932-G-A.
Identifiers: ClinVar variation 1204046 (VCV001204046.15), dbSNP rs147228539, ClinGen allele CA7709188.

ClinVar aggregate classification (germline): Likely benign. Review status: criteria provided, multiple submitters, no conflicts (2 of 4 stars). 4 submissions from 4 submitters: Likely benign (3). 1 of the submissions does not count toward it. Last evaluated 2026-01-01.

Conditions:
ALPK3-related disorder. Also called: ALPK3-related condition.
Cardiovascular phenotype. Identifiers: MedGen CN230736.

Allele frequency attached by ClinVar (database versions not stated): ESP Exome Variant Server 0.00038.
gnomAD v4.1: 142 of 1,611,642 alleles (0.0088%); highest among the groups gnomAD compares: Non-Finnish European, 0.012%; no homozygotes.

Submissions (4):

Labcorp Genetics (formerly Invitae), Labcorp
Classification: Likely benign. Last evaluated: 2026-01-01. Review status: criteria provided, single submitter. Criteria: Invitae Variant Classification Sherloc (09022015). Collection method: clinical testing. Allele origin: germline.

GeneDx
Classification: Likely benign. Last evaluated: 2021-04-30. Review status: criteria provided, single submitter. Criteria: GeneDx Variant Classification Process June 2021. Collection method: clinical testing. Allele origin: germline. Affected: yes.

Ambry Genetics
Classification: Likely benign for Cardiovascular phenotype. Last evaluated: 2019-08-19. Review status: criteria provided, single submitter. Criteria: Ambry Variant Classification Scheme 2023. Collection method: clinical testing. Allele origin: germline.

PreventionGenetics, part of Exact Sciences
Classification: Likely benign for ALPK3-related condition. Last evaluated: 2020-07-28. Review status: no assertion criteria provided. Collection method: clinical testing. Allele origin: germline. Not counted in ClinVar's aggregate classification.
Comment: This variant is classified as likely benign based on ACMG/AMP sequence variant interpretation guidelines (Richards et al. 2015 PMID: 25741868, with internal and published modifications).